The following is an entry in ClinVar:

ClinVar aggregate classification (germline): Pathogenic (1 of 4 stars; one submission).

Submission:

CeGaT Center for Human Genetics Tuebingen
Classification: Pathogenic. Last evaluated: 2025-02-01. Review status: criteria provided, single submitter. Criteria: CeGaT Center For Human Genetics Tuebingen Variant Classification Criteria Version 2. Collection method: clinical testing. Allele origin: germline. Affected: yes. Observed: 1 variant allele.
Comment: TNXB: PVS1, PM2

NM_001365276.2(TNXB):c.10215_10216delinsT (p.Gln3405fs)

Gene: TNXB (tenascin XB; minus strand). Cytogenetic location: 6p21.33.
Variant type: Indel.
Coding change: c.10215_10216delinsT on transcript NM_001365276.2 (MANE Select); coding-DNA positions 10215 to 10216, GC replaced by T.
Protein change: p.Gln3405fs; shifts the reading frame from glutamine 3405.
Molecular consequence: frameshift variant.
Genome position (GRCh38, 1-based): chr6:32,047,842-32,047,843, GC replaced by A on the plus strand (GC replaced by T on the coding strand, the reverse complement: TNXB is on the minus strand). VCF-style: chr6-32047842-GC-A. GRCh37 (hg19) VCF-style: chr6-32015619-GC-A.
Other names: c.10956_10957delinsT, p.Gln3652fs (NM_001428335.1); c.10209_10210delinsT, p.Gln3403fs (NM_019105.8); short protein forms Q3403fs, Q3405fs, Q3652fs.
Identifiers: ClinVar variation 3772628 (VCV003772628.13).